The following is an entry in ClinVar:

ClinVar aggregate classification (germline): Uncertain significance (1 of 4 stars; one submission).

Submission:

Labcorp Genetics (formerly Invitae), Labcorp
Classification: Uncertain significance. Last evaluated: 2021-11-19. Review status: criteria provided, single submitter. Criteria: Invitae Variant Classification Sherloc (09022015). Collection method: clinical testing. Allele origin: germline.
Comment: This sequence change falls in intron 3 of the FAM111A gene. It does not directly change the encoded amino acid sequence of the FAM111A protein. It affects a nucleotide within the consensus splice site. In summary, the available evidence is currently insufficient to determine the role of this variant in disease. Therefore, it has been classified as a Variant of Uncertain Significance. Variants that disrupt the consensus splice site are a relatively common cause of aberrant splicing (PMID: 17576681, 9536098). Algorithms developed to predict the effect of sequence changes on RNA splicing suggest that this variant may disrupt the consensus splice site. This variant has not been reported in the literature in individuals affected with FAM111A-related conditions. This variant is not present in population databases (gnomAD no frequency).

Literature cited by the submitters: PubMed 17576681; PubMed 9536098.

NM_001312909.2(FAM111A):c.82-1G>C

Gene: FAM111A (FAM111 trypsin like peptidase A; plus strand). Cytogenetic location: 11q12.1.
Variant type: single nucleotide variant.
Coding change: c.82-1G>C on transcript NM_001312909.2 (MANE Select); the canonical splice acceptor site of the intron before coding-DNA position 82, G replaced by C.
Molecular consequence: splice acceptor variant.
Genome position (GRCh38, 1-based): chr11:59,151,749, G>C. VCF-style: chr11-59151749-G-C. GRCh37 (hg19) VCF-style: chr11-58919222-G-C.
Other names: c.82-1G>C (NM_022074.4, NM_198847.3, NM_001374867.1 and 29 more transcripts).
Identifiers: ClinVar variation 1437742 (VCV001437742.6), dbSNP rs1590950663, ClinGen allele CA380770971.
Genomic context (GRCh38, chr11:59,151,749, plus strand): 5'-AAGAGAAACAAAAGACTCGGGTTGCATTCAGAGTTTTAAAGTATCTAACATTTATTTTTA[G>C]GTCTCTAAAGAGCAACAGAATAATTGCAGTACTTCTCTAATGAGGATGGAGTCTAGAGGA-3'